The following is an entry in ClinVar:

NM_018229.4(AP5M1):c.1166G>A (p.Trp389Ter)

Gene: AP5M1 (adaptor related protein complex 5 subunit mu 1; plus strand). Cytogenetic location: 14q22.3.
Variant type: single nucleotide variant.
Coding change: c.1166G>A on transcript NM_018229.4 (MANE Select); coding-DNA position 1166, G replaced by A.
Protein change: p.Trp389Ter; replaces tryptophan 389 with a stop codon.
Molecular consequence: nonsense. On other transcripts: non-coding transcript variant (1).
Genome position (GRCh38, 1-based): chr14:57,283,011, G>A. VCF-style: chr14-57283011-G-A. GRCh37 (hg19) VCF-style: chr14-57749729-G-A.
Other names: NC_000014.8:g.57749729G>A; NP_060699.3:p.(Trp389Ter); short protein forms W389*.
Identifiers: ClinVar variation 3777715 (VCV003777715.1).

ClinVar aggregate classification (germline): Likely pathogenic (1 of 4 stars; one submission).

Conditions:
Macular dystrophy with or without extraocular features.

Submission:

Ophthalmic Genetics Group, Institute of Molecular and Clinical Ophthalmology Basel
Classification: Likely pathogenic for Macular dystrophy with or without extraocular features. Last evaluated: 2024-12-17. Review status: criteria provided, single submitter. Criteria: ACMG Guidelines, 2015. Collection method: research. Allele origin: germline. Affected: yes. Observed: 1 variant allele.
Comment: This stopgain change is introducing a premature termination codon at amino acid position 389, and likely results in a nonsense-mediated mRNA decay. This variant is not present in gnomAD v2.1.1. It was classified as Likely pathogenic based on ACMG criteria: PVS1_vstrong, PM2_mod.

Literature cited by the submitters: PubMed 40081374.